The following is an entry in ClinVar:

NM_006206.6(PDGFRA):c.2002+4G>A

Gene: PDGFRA (platelet derived growth factor receptor alpha; plus strand). Cytogenetic location: 4q12.
Variant type: single nucleotide variant.
Coding change: c.2002+4G>A on transcript NM_006206.6 (MANE Select); 4 bases into the intron after coding-DNA position 2002, G replaced by A.
Molecular consequence: intron variant.
Genome position (GRCh38, 1-based): chr4:54,278,010, G>A. VCF-style: chr4-54278010-G-A. GRCh37 (hg19) VCF-style: chr4-55144177-G-A.
Other names: c.2077+4G>A (NM_001347828.2); c.2002+4G>A (NM_001347827.2, NM_001347829.2); c.2041+4G>A (NM_001347830.2).
Identifiers: ClinVar variation 820518 (VCV000820518.13), dbSNP rs748849639, ClinGen allele CA915943058.

ClinVar aggregate classification (germline): Uncertain significance. Review status: criteria provided, multiple submitters, no conflicts (2 of 4 stars). 2 submissions from 2 submitters: Uncertain significance (2). Last evaluated 2025-07-31.

Conditions:
Hereditary cancer-predisposing syndrome. Also called: Neoplastic Syndromes, Hereditary; Hereditary Cancer Syndrome; Hereditary neoplastic syndrome; Tumor predisposition. Identifiers: Orphanet 140162, MedGen C0027672, MeSH D009386, MONDO:0015356.
Gastrointestinal stromal tumor. Also called: Gastrointestinal stromal tumor, somatic; Gastrointestinal stroma tumor. Identifiers: Orphanet 44890, MedGen C0238198, MeSH D046152, MONDO:0011719, OMIM 606764, HP:0100723.

Allele frequency attached by ClinVar (database versions not stated): gnomAD exomes below 0.00001.
gnomAD v4.1: 1 of 1,564,014 alleles (0.000064%); highest among the groups gnomAD compares: Non-Finnish European, 0.000088%; no homozygotes.

Submissions (2):

Ambry Genetics
Classification: Uncertain significance for Hereditary cancer-predisposing syndrome. Last evaluated: 2025-07-31. Review status: criteria provided, single submitter. Criteria: Ambry Variant Classification Scheme 2023. Collection method: clinical testing. Allele origin: germline.
Comment: The c.2002+4G>A intronic variant results from a G to A substitution 4 nucleotides after coding exon 13 in the PDGFRA gene. This nucleotide position is not well conserved in available vertebrate species. In silico splice site analysis predicts that this alteration will not have any significant effect on splicing. Based on the available evidence, the clinical significance of this variant remains unclear.

Labcorp Genetics (formerly Invitae), Labcorp
Classification: Uncertain significance for Gastrointestinal stromal tumor. Last evaluated: 2025-04-14. Review status: criteria provided, single submitter. Criteria: Invitae Variant Classification Sherloc (09022015). Collection method: clinical testing. Allele origin: germline.
Comment: This sequence change falls in intron 14 of the PDGFRA gene. It does not directly change the encoded amino acid sequence of the PDGFRA protein. It affects a nucleotide within the consensus splice site. This variant is not present in population databases (gnomAD no frequency). This variant has not been reported in the literature in individuals affected with PDGFRA-related conditions. ClinVar contains an entry for this variant (Variation ID: 820518). Variants that disrupt the consensus splice site are a relatively common cause of aberrant splicing (PMID: 17576681, 9536098). Algorithms developed to predict the effect of sequence changes on RNA splicing suggest that this variant is not likely to affect RNA splicing. In summary, the available evidence is currently insufficient to determine the role of this variant in disease. Therefore, it has been classified as a Variant of Uncertain Significance.

Literature cited by the submitters: PubMed 17576681 (cited by Labcorp Genetics (formerly Invitae), Labcorp); PubMed 9536098 (cited by Labcorp Genetics (formerly Invitae), Labcorp).